The following is an entry in ClinVar:

NM_020937.4(FANCM):c.449A>T (p.Gln150Leu)

Gene: FANCM (FA complementation group M; plus strand). Cytogenetic location: 14q21.2.
Variant type: single nucleotide variant.
Coding change: c.449A>T on transcript NM_020937.4 (MANE Select); coding-DNA position 449, A replaced by T.
Protein change: p.Gln150Leu; replaces glutamine 150 with leucine.
Molecular consequence: missense variant.
Genome position (GRCh38, 1-based): chr14:45,136,480, A>T. VCF-style: chr14-45136480-A-T. GRCh37 (hg19) VCF-style: chr14-45605683-A-T.
Other names: c.449A>T, p.Gln150Leu (NM_001308133.2, NM_001308134.2); short protein forms Q150L.
Identifiers: ClinVar variation 4254724 (VCV004254724.1).

ClinVar aggregate classification (germline): Uncertain significance (1 of 4 stars; one submission).

Conditions:
Inborn genetic diseases. Identifiers: MedGen C0950123, MeSH D030342.

Submission:

Ambry Genetics
Classification: Uncertain significance for Inborn genetic diseases. Last evaluated: 2025-08-30. Review status: criteria provided, single submitter. Criteria: Ambry Variant Classification Scheme 2023. Collection method: clinical testing. Allele origin: germline.
Comment: The p.Q150L variant (also known as c.449A>T), located in coding exon 1 of the FANCM gene, results from an A to T substitution at nucleotide position 449. The glutamine at codon 150 is replaced by leucine, an amino acid with dissimilar properties. This amino acid position is conserved. In addition, the in silico prediction for this alteration is inconclusive. Based on the available evidence, the clinical significance of this variant remains unclear.